The following is an entry in ClinVar:

NM_006929.5(SKIC2):c.1860+1G>C

Gene: SKIC2 (SKI2 subunit of superkiller complex; plus strand). Cytogenetic location: 6p21.33.
Variant type: single nucleotide variant.
Coding change: c.1860+1G>C on transcript NM_006929.5 (MANE Select); the canonical splice donor site of the intron after coding-DNA position 1860, G replaced by C.
Molecular consequence: splice donor variant.
Genome position (GRCh38, 1-based): chr6:31,964,126, G>C. VCF-style: chr6-31964126-G-C. GRCh37 (hg19) VCF-style: chr6-31931903-G-C.
Identifiers: ClinVar variation 3637350 (VCV003637350.2).

ClinVar aggregate classification (germline): Likely pathogenic (1 of 4 stars; one submission).

gnomAD v4.1: 1 of 1,604,966 alleles (0.000062%); highest among the groups gnomAD compares: Non-Finnish European, 0.000085%; no homozygotes.

Submission:

Labcorp Genetics (formerly Invitae), Labcorp
Classification: Likely pathogenic. Last evaluated: 2024-04-29. Review status: criteria provided, single submitter. Criteria: Invitae Variant Classification Sherloc (09022015). Collection method: clinical testing. Allele origin: germline.
Comment: This sequence change affects a donor splice site in intron 16 of the SKIV2L gene. It is expected to disrupt RNA splicing. Variants that disrupt the donor or acceptor splice site typically lead to a loss of protein function (PMID: 16199547), and loss-of-function variants in SKIV2L are known to be pathogenic (PMID: 22444670). This variant is present in population databases (no rsID available, gnomAD 0.0009%). This variant has not been reported in the literature in individuals affected with SKIV2L-related conditions. Algorithms developed to predict the effect of sequence changes on RNA splicing suggest that this variant may disrupt the consensus splice site. In summary, the currently available evidence indicates that the variant is pathogenic, but additional data are needed to prove that conclusively. Therefore, this variant has been classified as Likely Pathogenic.

Literature cited by the submitters: PubMed 16199547; PubMed 22444670.